The following is an entry in ClinVar:

ClinVar aggregate classification (germline): Benign/Likely benign. Review status: criteria provided, multiple submitters, no conflicts (2 of 4 stars). 3 submissions from 3 submitters: Benign (1); Likely benign (2). Last evaluated 2026-08-18.

Conditions:
DICER1-related tumor predisposition. Also called: DICER1 syndrome; DICER1-related pleuropulmonary blastoma cancer predisposition syndrome. Identifiers: Orphanet 284343, MedGen C3839822, MONDO:0100216.
Hereditary cancer-predisposing syndrome. Also called: Tumor predisposition; Neoplastic Syndromes, Hereditary; Hereditary Cancer Syndrome; Hereditary neoplastic syndrome. Identifiers: Orphanet 140162, MedGen C0027672, MeSH D009386, MONDO:0015356.

Allele frequency attached by ClinVar (database versions not stated): gnomAD exomes 0.00003 and 0.00001; ExAC 0.00003.
gnomAD v4.1: 20 of 1,613,632 alleles (0.0012%); highest among the groups gnomAD compares: South Asian, 0.021%; no homozygotes.

Submissions (3):

Myriad Genetics, Inc.
Classification: Benign for DICER1-related tumor predisposition. Last evaluated: 2026-08-18. Review status: criteria provided, single submitter. Criteria: Myriad Autosomal Dominant, Autosomal Recessive and X-Linked Classification Criteria (2023). Collection method: clinical testing. Allele origin: unknown.
Comment: This variant is considered benign. This variant is a silent/synonymous amino acid change and it is not expected to impact splicing.

Labcorp Genetics (formerly Invitae), Labcorp
Classification: Likely benign for DICER1-related tumor predisposition. Last evaluated: 2025-06-22. Review status: criteria provided, single submitter. Criteria: Invitae Variant Classification Sherloc (09022015). Collection method: clinical testing. Allele origin: germline.

Ambry Genetics
Classification: Likely benign for Hereditary cancer-predisposing syndrome. Last evaluated: 2017-05-01. Review status: criteria provided, single submitter. Criteria: Ambry Variant Classification Scheme 2023. Collection method: clinical testing. Allele origin: germline.

NM_177438.3(DICER1):c.411A>G (p.Arg137=)

Gene: DICER1 (dicer 1, ribonuclease III; minus strand). Cytogenetic location: 14q32.13.
Variant type: single nucleotide variant.
Coding change: c.411A>G on transcript NM_177438.3 (MANE Select); coding-DNA position 411, A replaced by G.
Protein change: p.Arg137=; no amino-acid change (arginine 137 retained).
Molecular consequence: synonymous variant.
Genome position (GRCh38, 1-based): chr14:95,131,536, T>C on the plus strand (A>G on the coding strand, the complement: DICER1 is on the minus strand). VCF-style: chr14-95131536-T-C. GRCh37 (hg19) VCF-style: chr14-95597873-T-C.
Other names: c.411A>G, p.Arg137= (NM_001195573.1, NM_001271282.3, NM_001291628.2 and 1 more transcripts).
Identifiers: ClinVar variation 485532 (VCV000485532.15), dbSNP rs749185409, ClinGen allele CA7331676.